The following is an entry in ClinVar:

NM_001165963.4(SCN1A):c.5766T>C (p.Ile1922=)

Genes: SCN1A (sodium voltage-gated channel alpha subunit 1; minus strand), LOC102724058 (uncharacterized LOC102724058; plus strand). Cytogenetic location: 2q24.3.
Variant type: single nucleotide variant.
Coding change: c.5766T>C on transcript NM_001165963.4 (MANE Select); coding-DNA position 5766, T replaced by C.
Protein change: p.Ile1922=; no amino-acid change (isoleucine 1922 retained).
Molecular consequence: synonymous variant. On other transcripts: non-coding transcript variant (1).
Genome position (GRCh38, 1-based): chr2:165,991,509, A>G on the plus strand (T>C on the coding strand, the complement: SCN1A is on the minus strand). VCF-style: chr2-165991509-A-G. GRCh37 (hg19) VCF-style: chr2-166848019-A-G.
Other names: p.I1922I:ATT>ATC; c.5682T>C, p.Ile1894= (NM_001165964.3, NM_001353957.2, NM_001353958.2); c.5766T>C, p.Ile1922= (NM_001202435.3, NM_001353948.2); c.5733T>C, p.Ile1911= (NM_001353949.2, NM_001353950.2, NM_001353951.2 and 2 more transcripts); c.5730T>C, p.Ile1910= (NM_001353954.2, NM_001353955.2); c.5679T>C, p.Ile1893= (NM_001353960.2); c.3324T>C, p.Ile1108= (NM_001353961.2); c.5766T>C (NM_001202435.1).
Identifiers: ClinVar variation 138988 (VCV000138988.11), dbSNP rs587781149, ClinGen allele CA293200.

ClinVar aggregate classification (germline): Benign/Likely benign. Review status: criteria provided, multiple submitters, no conflicts (2 of 4 stars). 3 submissions from 3 submitters: Benign (1); Likely benign (1). 1 of the submissions does not count toward it. Last evaluated 2024-12-16.

Conditions:
Early-infantile DEE. Also called: Ohtahara syndrome; Early infantile epileptic encephalopathy; Early infantile epileptic encephalopathy with suppression bursts. Identifiers: Orphanet 1934, MedGen C0393706, MONDO:0800491.
SCN1A-related disorder. Also called: SCN1A-related conditions; SCN1A-related condition; SCN1A-related disorders.

Allele frequency attached by ClinVar (database versions not stated): ExAC 0.00001; gnomAD 0.00001; gnomAD exomes 0.00002 and 0.00005; TOPMed 0.00002.
gnomAD v4.1: 73 of 1,613,842 alleles (0.0045%); highest among the groups gnomAD compares: Non-Finnish European, 0.0059%; no homozygotes.

Submissions (3):

Labcorp Genetics (formerly Invitae), Labcorp
Classification: Likely benign for Early-infantile DEE. Last evaluated: 2024-12-16. Review status: criteria provided, single submitter. Criteria: Invitae Variant Classification Sherloc (09022015). Collection method: clinical testing. Allele origin: germline.

GeneDx
Classification: Benign. Last evaluated: 2014-06-05. Review status: criteria provided, single submitter. Criteria: GeneDx Variant Classification (06012015). Collection method: clinical testing. Allele origin: germline. Affected: yes.
Comment: This variant is considered likely benign or benign based on one or more of the following criteria: it is a conservative change, it occurs at a poorly conserved position in the protein, it is predicted to be benign by multiple in silico algorithms, and/or has population frequency not consistent with disease.

PreventionGenetics, part of Exact Sciences
Classification: Likely benign for SCN1A-related condition. Last evaluated: 2024-05-09. Review status: no assertion criteria provided. Collection method: clinical testing. Allele origin: germline. Not counted in ClinVar's aggregate classification.
Comment: This variant is classified as likely benign based on ACMG/AMP sequence variant interpretation guidelines (Richards et al. 2015 PMID: 25741868, with internal and published modifications).